The following is an entry in ClinVar:

ClinVar aggregate classification (germline): Uncertain significance (1 of 4 stars; one submission).

gnomAD v4.1: 4 of 1,516,432 alleles (0.00026%); highest among the groups gnomAD compares: African/African-American, 0.0057%; no homozygotes.

Submission:

Labcorp Genetics (formerly Invitae), Labcorp
Classification: Uncertain significance. Last evaluated: 2022-08-10. Review status: criteria provided, single submitter. Criteria: Invitae Variant Classification Sherloc (09022015). Collection method: clinical testing. Allele origin: germline.
Comment: This variant has not been reported in the literature in individuals affected with CACNA1B-related conditions. In summary, the available evidence is currently insufficient to determine the role of this variant in disease. Therefore, it has been classified as a Variant of Uncertain Significance. Advanced modeling of protein sequence and biophysical properties (such as structural, functional, and spatial information, amino acid conservation, physicochemical variation, residue mobility, and thermodynamic stability) performed at Invitae indicates that this missense variant is not expected to disrupt CACNA1B protein function. This variant is not present in population databases (gnomAD no frequency). This sequence change replaces arginine, which is basic and polar, with proline, which is neutral and non-polar, at codon 2100 of the CACNA1B protein (p.Arg2100Pro).

NM_000718.4(CACNA1B):c.6299G>C (p.Arg2100Pro)

Gene: CACNA1B (calcium voltage-gated channel subunit alpha1 B; plus strand). Cytogenetic location: 9q34.3.
Variant type: single nucleotide variant.
Coding change: c.6299G>C on transcript NM_000718.4 (MANE Select); coding-DNA position 6299, G replaced by C.
Protein change: p.Arg2100Pro; replaces arginine 2100 with proline.
Molecular consequence: missense variant.
Genome position (GRCh38, 1-based): chr9:138,120,691, G>C. VCF-style: chr9-138120691-G-C. GRCh37 (hg19) VCF-style: chr9-141015143-G-C.
Other names: c.6299G>C, p.Arg2100Pro (NM_001243812.2); short protein forms R2100P.
Identifiers: ClinVar variation 1942695 (VCV001942695.3), dbSNP rs760369506, ClinGen allele CA375822859.